The following is an entry in ClinVar:

NM_003000.3(SDHB):c.424-1G>A

Gene: SDHB (succinate dehydrogenase complex iron sulfur subunit B; minus strand). Cytogenetic location: 1p36.13.
Variant type: single nucleotide variant.
Coding change: c.424-1G>A on transcript NM_003000.3 (MANE Select); the canonical splice acceptor site of the intron before coding-DNA position 424, G replaced by A.
Molecular consequence: splice acceptor variant.
Genome position (GRCh38, 1-based): chr1:17,027,866, C>T on the plus strand (G>A on the coding strand, the complement: SDHB is on the minus strand). VCF-style: chr1-17027866-C-T. GRCh37 (hg19) VCF-style: chr1-17354361-C-T.
Other names: c.370-1G>A (NM_001407361.1).
Identifiers: ClinVar variation 428931 (VCV000428931.17), dbSNP rs1131691060, ClinGen allele CA338273531.

ClinVar aggregate classification (germline): Pathogenic/Likely pathogenic. Review status: criteria provided, multiple submitters, no conflicts (2 of 4 stars). 4 submissions from 4 submitters: Pathogenic (2); Likely pathogenic (2). Last evaluated 2026-03-23.

Conditions:
Mitochondrial complex 2 deficiency, nuclear type 4. Also called: MITOCHONDRIAL COMPLEX II DEFICIENCY, NUCLEAR TYPE 4. Identifiers: MedGen C5543176, MONDO:0030974, OMIM 619224.
Gastrointestinal stromal tumor. Also called: Gastrointestinal stroma tumor; Gastrointestinal stromal tumor, somatic. Identifiers: Orphanet 44890, MedGen C0238198, MeSH D046152, MONDO:0011719, OMIM 606764, HP:0100723.
Carney-Stratakis syndrome. Also called: PARAGANGLIOMA AND GASTROINTESTINAL STROMAL TUMOR. Identifiers: Orphanet 97286, MedGen C1847319, MONDO:0011740, OMIM 606864.
Pheochromocytoma/paraganglioma syndrome 4. Also called: SDHB-Related Hereditary Paraganglioma-Pheochromocytoma Syndrome; CAROTID BODY TUMORS AND MULTIPLE EXTRAADRENAL PHEOCHROMOCYTOMAS; PARAGANGLIOMA, FAMILIAL MALIGNANT; PARAGANGLIOMAS, HEREDITARY EXTRAADRENAL; PHEOCHROMOCYTOMA, FAMILIAL EXTRAADRENAL; SDHB-Related Hereditary Paraganglioma-Pheochromocytoma Syndrome (Paragangliomas 4). Identifiers: Orphanet 29072, MedGen C1861848, MONDO:0007273, OMIM 115310.
Hereditary cancer-predisposing syndrome. Also called: Hereditary neoplastic syndrome; Neoplastic Syndromes, Hereditary; Hereditary Cancer Syndrome; Tumor predisposition. Identifiers: Orphanet 140162, MedGen C0027672, MeSH D009386, MONDO:0015356.
Hereditary pheochromocytoma and paraganglioma. Also called: Hereditary pheochromocytoma-paraganglioma; Hereditary Paraganglioma-Pheochromocytoma Syndromes; Hereditary paragangliomas and pheochromocytomas. Identifiers: Orphanet 29072, MedGen C4274332, MONDO:0017366.
Pheochromocytoma. Also called: MAX-Related Hereditary Paraganglioma-Pheochromocytoma Syndrome. Identifiers: Orphanet 29072, MedGen C0031511, MONDO:0008233, OMIM 171300, HP:0002666.

Submissions (4):

Ambry Genetics
Classification: Pathogenic for Hereditary cancer-predisposing syndrome. Last evaluated: 2026-03-23. Review status: criteria provided, single submitter. Criteria: Ambry Variant Classification Scheme 2023. Collection method: clinical testing. Allele origin: germline.
Comment: The c.424-1G>A intronic pathogenic mutation results from a G to A substitution one nucleotide upstream from coding exon 5 of the SDHB gene. This variant was reported in individuals with features consistent with hereditary paraganglioma and pheochromocytoma syndrome (Ambry internal data; Benn DE et al, Oncogene 2003 Mar; 22(9):1358-64). This nucleotide position is highly conserved in available vertebrate species. RNA studies have demonstrated that this variant results in abnormal splicing in the set of samples tested (Ambry internal data). As such, this alteration is interpreted as a disease-causing mutation.

Color Diagnostics, LLC DBA Color Health
Classification: Likely pathogenic for Hereditary pheochromocytoma and paraganglioma. Last evaluated: 2025-06-24. Review status: criteria provided, single submitter. Criteria: ACMG Guidelines, 2015. Collection method: clinical testing. Allele origin: germline.
Comment: This variant causes a G>A nucleotide substitution at the -1 position of intron 4 of the SDHB gene. Splice site prediction tools suggest that this variant may have a significant impact on RNA splicing. Although this prediction has not been confirmed in published RNA studies, this variant is expected to result in an absent or disrupted protein product. This variant has been reported in individuals affected with paraganglioma and pheochromocytoma (PMID: 12618761, 16317055, 32150977). This variant has not been identified in the general population by the Genome Aggregation Database (gnomAD). Loss of SDHB function is a known mechanism of disease. Based on the available evidence, this variant is classified as Likely Pathogenic.

Labcorp Genetics (formerly Invitae), Labcorp
Classification: Pathogenic for Gastrointestinal stromal tumor; Pheochromocytoma/paraganglioma syndrome 4; Pheochromocytoma. Last evaluated: 2024-09-04. Review status: criteria provided, single submitter. Criteria: Invitae Variant Classification Sherloc (09022015). Collection method: clinical testing. Allele origin: germline.
Comment: This sequence change affects an acceptor splice site in intron 4 of the SDHB gene. It is expected to disrupt RNA splicing. Variants that disrupt the donor or acceptor splice site typically lead to a loss of protein function (PMID: 16199547), and loss-of-function variants in SDHB are known to be pathogenic (PMID: 19454582, 19802898). This variant is not present in population databases (gnomAD no frequency). Disruption of this splice site has been observed in individuals with autosomal dominant paraganglioma-pheochromocytoma syndrome (PMID: 12618761; internal data). ClinVar contains an entry for this variant (Variation ID: 428931). Studies have shown that disruption of this splice site is associated with altered splicing resulting in multiple RNA products (internal data). For these reasons, this variant has been classified as Pathogenic.

Juno Genomics, Hangzhou Juno Genomics, Inc
Classification: Likely pathogenic for Pheochromocytoma/paraganglioma syndrome 4; Gastrointestinal stromal tumor; Mitochondrial complex 2 deficiency, nuclear type 4; Carney-Stratakis syndrome. Review status: criteria provided, single submitter. Criteria: ACMG Guidelines, 2015. Collection method: clinical testing. Allele origin: germline.
Comment: Absent from controls (or at extremely low frequency if recessive) in Genome Aggregation Database.;Null variant in a gene where loss of function (LOF) is a known mechanism of disease.;The prevalence of the variant in affected individuals is significantly increased compared to the prevalence in controls.

Literature cited by the submitters: PubMed 12618761 (cited by 3 submitters); PubMed 16317055 (cited by Color Diagnostics, LLC DBA Color Health); PubMed 32150977 (cited by Color Diagnostics, LLC DBA Color Health); PubMed 16199547 (cited by Labcorp Genetics (formerly Invitae), Labcorp); PubMed 19454582 (cited by Labcorp Genetics (formerly Invitae), Labcorp); PubMed 19802898 (cited by Labcorp Genetics (formerly Invitae), Labcorp).